The following is an entry in ClinVar:

NM_033026.6(PCLO):c.4137T>A (p.Ser1379Arg)

Gene: PCLO (piccolo presynaptic cytomatrix protein; minus strand). Cytogenetic location: 7q21.11.
Variant type: single nucleotide variant.
Coding change: c.4137T>A on transcript NM_033026.6 (MANE Select); coding-DNA position 4137, T replaced by A.
Protein change: p.Ser1379Arg; replaces serine 1379 with arginine.
Molecular consequence: missense variant.
Genome position (GRCh38, 1-based): chr7:82,956,816, A>T on the plus strand (T>A on the coding strand, the complement: PCLO is on the minus strand). VCF-style: chr7-82956816-A-T. GRCh37 (hg19) VCF-style: chr7-82586132-A-T.
Other names: c.4137T>A, p.Ser1379Arg (NM_014510.3); short protein forms S1379R.
Identifiers: ClinVar variation 2012619 (VCV002012619.4), dbSNP rs2535713489, ClinGen allele CA367928598.

ClinVar aggregate classification (germline): Uncertain significance (1 of 4 stars; one submission).

Submission:

Labcorp Genetics (formerly Invitae), Labcorp
Classification: Uncertain significance. Last evaluated: 2022-07-01. Review status: criteria provided, single submitter. Criteria: Invitae Variant Classification Sherloc (09022015). Collection method: clinical testing. Allele origin: germline.
Comment: This sequence change replaces serine, which is neutral and polar, with arginine, which is basic and polar, at codon 1379 of the PCLO protein (p.Ser1379Arg). In summary, the available evidence is currently insufficient to determine the role of this variant in disease. Therefore, it has been classified as a Variant of Uncertain Significance. Algorithms developed to predict the effect of missense changes on protein structure and function are either unavailable or do not agree on the potential impact of this missense change (SIFT: "Deleterious"; PolyPhen-2: "Not Available"; Align-GVGD: "Class C0"). This variant has not been reported in the literature in individuals affected with PCLO-related conditions. This variant is not present in population databases (gnomAD no frequency).